The following is an entry in ClinVar:

NM_006421.5(ARFGEF1):c.71A>G (p.Glu24Gly)

Gene: ARFGEF1 (ARF guanine nucleotide exchange factor 1; minus strand). Cytogenetic location: 8q13.2.
Variant type: single nucleotide variant.
Coding change: c.71A>G on transcript NM_006421.5 (MANE Select); coding-DNA position 71, A replaced by G.
Protein change: p.Glu24Gly; replaces glutamic acid 24 with glycine.
Molecular consequence: missense variant. On other transcripts: non-coding transcript variant (1), 5 prime UTR variant (4).
Genome position (GRCh38, 1-based): chr8:67,343,217, T>C on the plus strand (A>G on the coding strand, the complement: ARFGEF1 is on the minus strand). VCF-style: chr8-67343217-T-C. GRCh37 (hg19) VCF-style: chr8-68255452-T-C.
Other names: c.71A>G, p.Glu24Gly (NM_001413184.1, NM_001413185.1, NM_001413186.1 and 7 more transcripts); c.-520A>G (NM_001413188.1); c.-566A>G (NM_001413193.1); c.-1045A>G (NM_001413196.1); c.-499A>G (NM_001413197.1); short protein forms E24G.
Identifiers: ClinVar variation 4531080 (VCV004531080.1).
Genomic context (GRCh38, chr8:67,343,217, plus strand): 5'-CGCTCACCTAACGCCACCTCGCAAGCTTTGCGCAGCTGGGAGTGATGCGCCTTCTTCACT[T>C]CCTTGTCGGCCAATATCTTCTCCAGAGCCCGGGTCAGGAACATGTTCTTCGTCTTCTTCC-3'
Protein context (NP_006412.2, residues 14-34): RALEKILADK[Glu24Gly]VKKAHHSQLR

ClinVar aggregate classification (germline): Uncertain significance (1 of 4 stars; one submission).

Submission:

GeneDx
Classification: Uncertain significance. Last evaluated: 2025-05-23. Review status: criteria provided, single submitter. Criteria: GeneDx Variant Classification Process June 2021. Collection method: clinical testing. Allele origin: germline. Affected: yes.
Comment: Not observed at significant frequency in large population cohorts (gnomAD); In silico analysis supports that this missense variant has a deleterious effect on protein structure/function; Has not been previously published as pathogenic or benign to our knowledge